The following is an entry in ClinVar:

ClinVar aggregate classification (germline): Uncertain significance (1 of 4 stars; one submission).

gnomAD v4.1: 1 of 1,613,952 alleles (0.000062%); highest among the groups gnomAD compares: East Asian, 0.0022%; no homozygotes.

Submission:

Labcorp Genetics (formerly Invitae), Labcorp
Classification: Uncertain significance. Last evaluated: 2019-11-25. Review status: criteria provided, single submitter. Criteria: Invitae Variant Classification Sherloc (09022015). Collection method: clinical testing. Allele origin: germline.
Comment: This sequence change replaces alanine with valine at codon 550 of the DNM1L protein (p.Ala550Val). The alanine residue is moderately conserved and there is a small physicochemical difference between alanine and valine. This variant is not present in population databases (ExAC no frequency). This variant has not been reported in the literature in individuals with DNM1L-related conditions. Algorithms developed to predict the effect of missense changes on protein structure and function (SIFT, PolyPhen-2, Align-GVGD) all suggest that this variant is likely to be tolerated, but these predictions have not been confirmed by published functional studies and their clinical significance is uncertain. In summary, the available evidence is currently insufficient to determine the role of this variant in disease. Therefore, it has been classified as a Variant of Uncertain Significance.

NM_012062.5(DNM1L):c.1649C>T (p.Ala550Val)

Gene: DNM1L (dynamin 1 like; plus strand). Cytogenetic location: 12p11.21.
Variant type: single nucleotide variant.
Coding change: c.1649C>T on transcript NM_012062.5 (MANE Select); coding-DNA position 1649, C replaced by T.
Protein change: p.Ala550Val; replaces alanine 550 with valine.
Molecular consequence: missense variant. On other transcripts: intron variant (3).
Genome position (GRCh38, 1-based): chr12:32,737,917, C>T. VCF-style: chr12-32737917-C-T. GRCh37 (hg19) VCF-style: chr12-32890851-C-T.
Other names: c.1649C>T, p.Ala550Val (NM_001278463.2); c.1688C>T, p.Ala563Val (NM_001278464.2, NM_001278465.2); c.1040C>T, p.Ala347Val (NM_001278466.2); c.1635+756C>T (NM_001330380.2); c.1597-347C>T (NM_012063.4); c.1596+756C>T (NM_005690.5); short protein forms A347V, A563V, A550V.
Identifiers: ClinVar variation 860463 (VCV000860463.1), dbSNP rs143236486, ClinGen allele CA384361375.